The following is an entry in ClinVar:

NC_000012.11:g.(?_862712)_(980534_?)dup

Genes: WNK1 (WNK lysine deficient protein kinase 1; plus strand), LOC130007151 (ATAC-STARR-seq lymphoblastoid active region 5791; plus strand). Cytogenetic location: 12p13.33.
Variant type: Duplication.
Identifiers: ClinVar variation 538546 (VCV000538546.6).

ClinVar aggregate classification (germline): Uncertain significance (1 of 4 stars; one submission).

Conditions:
Neuropathy, hereditary sensory and autonomic, type 2A (HSAN2A). Also called: HSAN IIA; WNK1-Related HSAN2 (HSAN2A); MORVAN DISEASE; NEUROPATHY, CONGENITAL SENSORY; NEUROPATHY, HEREDITARY SENSORY RADICULAR, AUTOSOMAL RECESSIVE; NEUROPATHY, HEREDITARY SENSORY, TYPE IIA. Identifiers: Orphanet 970, MedGen C2752089, MONDO:0024309, OMIM 201300.
Pseudohypoaldosteronism type 2C (PHA2C). Also called: Pseudohypoaldosteronism Type IIC. Identifiers: Orphanet 757, Orphanet 88940, MedGen C1840391, MONDO:0013778, OMIM 614492.

Submission:

Labcorp Genetics (formerly Invitae), Labcorp
Classification: Uncertain significance for Neuropathy, hereditary sensory and autonomic, type 2A; Pseudohypoaldosteronism type 2C. Last evaluated: 2017-11-23. Review status: criteria provided, single submitter. Criteria: Invitae Variant Classification Sherloc (09022015). Collection method: clinical testing. Allele origin: germline.
Comment: In summary, the available evidence is currently insufficient to determine the role of this variant in disease. Therefore, it has been classified as a Variant of Uncertain Significance. This variant has not been reported in the literature in individuals with WNK1-related disease. This variant is a gross duplication of the genomic region encompassing exons 1-9 of the WNK1 gene. The 5' end of this event is unknown as it extends beyond the assayed region for this gene and therefore may encompass additional genes. The 3' boundary is likely confined to intron 9 of the WNK1 gene. The exact location of this variant in the genome is unknown.